The following is an entry in ClinVar:

ClinVar aggregate classification (germline): Benign (1 of 4 stars; one submission).

Conditions:
Peroxisome biogenesis disorder 10A (Zellweger). Also called: Peroxisome biogenesis disorder 10A. Identifiers: Orphanet 912, MedGen C3553999, MONDO:0013948, OMIM 614882.

Allele frequency attached by ClinVar (database versions not stated): TOPMed 0.01194; 1000 Genomes Project 30x 0.02998; 1000 Genomes Project 0.02915.
gnomAD v4.1: 10,055 of 756,068 alleles (1.3%); highest among the groups gnomAD compares: Admixed American, 13%; 611 homozygotes.

Submission:

Illumina Laboratory Services, Illumina
Classification: Benign for Peroxisome biogenesis disorder 10A (Zellweger). Last evaluated: 2018-01-13. Review status: criteria provided, single submitter. Criteria: ICSL Variant Classification Criteria 13 December 2019. Collection method: clinical testing. Allele origin: germline.
Comment: This variant was observed in the ICSL laboratory as part of a predisposition screen in an ostensibly healthy population. It had not been previously curated by ICSL or reported in the Human Gene Mutation Database (HGMD: prior to June 1st, 2018), and was therefore a candidate for classification through an automated scoring system. Utilizing variant allele frequency, disease prevalence and penetrance estimates, and inheritance mode, an automated score was calculated to assess if this variant is too frequent to cause the disease. Based on the score and internal cut-off values, a variant classified as benign is not then subjected to further curation. The score for this variant resulted in a classification of benign for this disease.

NM_003630.3(PEX3):c.-197T>C

Gene: PEX3 (peroxisomal biogenesis factor 3; plus strand). Cytogenetic location: 6q24.2.
Variant type: single nucleotide variant.
Coding change: c.-197T>C on transcript NM_003630.3 (MANE Select); 197 bases upstream of the start codon, T replaced by C.
Molecular consequence: 5 prime UTR variant.
Genome position (GRCh38, 1-based): chr6:143,450,846, T>C. VCF-style: chr6-143450846-T-C. GRCh37 (hg19) VCF-style: chr6-143771983-T-C.
Identifiers: ClinVar variation 355569 (VCV000355569.5), dbSNP rs184934783, ClinGen allele CA10626122.